The following is an entry in ClinVar:

NM_003579.4(RAD54L):c.625C>G (p.Pro209Ala)

Gene: RAD54L (RAD54 like; plus strand). Cytogenetic location: 1p34.1.
Variant type: single nucleotide variant.
Coding change: c.625C>G on transcript NM_003579.4 (MANE Select); coding-DNA position 625, C replaced by G.
Protein change: p.Pro209Ala; replaces proline 209 with alanine.
Molecular consequence: missense variant.
Genome position (GRCh38, 1-based): chr1:46,260,874, C>G. VCF-style: chr1-46260874-C-G. GRCh37 (hg19) VCF-style: chr1-46726546-C-G.
Other names: c.625C>G, p.Pro209Ala (NM_001142548.2); c.85C>G, p.Pro29Ala (NM_001370766.1); short protein forms P209A, P29A.
Identifiers: ClinVar variation 3312491 (VCV003312491.1).

ClinVar aggregate classification (germline): Uncertain significance (1 of 4 stars; one submission).

Submission:

Ambry Genetics
Classification: Uncertain significance. Last evaluated: 2024-06-03. Review status: criteria provided, single submitter. Criteria: Ambry Variant Classification Scheme 2023. Collection method: clinical testing. Allele origin: germline.
Comment: The p.P209A variant (also known as c.625C>G), located in coding exon 7 of the RAD54L gene, results from a C to G substitution at nucleotide position 625. The proline at codon 209 is replaced by alanine, an amino acid with highly similar properties. This amino acid position is conserved. In addition, the in silico prediction for this alteration is inconclusive. Based on the available evidence, the clinical significance of this variant remains unclear.